The following is an entry in ClinVar:

ClinVar aggregate classification (germline): Likely pathogenic (1 of 4 stars; one submission).

Conditions:
Intellectual developmental disorder, X-linked 99. Also called: Intellectual disability, X-linked 99. Identifiers: Orphanet 777, MedGen C3806746, MONDO:0010487, OMIM 300919.

Submission:

Wales Gene Park, Division Of Cancer and Genetics, Cardiff University
Classification: Likely pathogenic for Intellectual developmental disorder, X-linked 99. Last evaluated: 2026-04-28. Review status: criteria provided, single submitter. Criteria: ACGS Best Practice Guidelines for Variant Classification in Rare Disease 2024. Collection method: research. Allele origin: de novo. Inheritance: X-linked inheritance. Affected: yes. Study: 100,000 Genomes Project (Wales).
Comment: De novo USP9X missense variant detected by trio genome sequencing. Not present in gnomAD (v4.1.1). REVEL score 0.72. Constrained gene (gnomAD missense Z score 6.41). Located in the conserved ubiquitin carboxyl-terminal hydrolase domain near other pathogenic variants. Phenotype consistent with gene but not highly specific and high genetic heterogeneity. Evidence codes: PM2, PP2, PP3, PS2_supporting, PM1_supporting.

NM_001039591.3(USP9X):c.4991C>T (p.Pro1664Leu)

Gene: USP9X (ubiquitin specific peptidase 9 X-linked; plus strand). Cytogenetic location: Xp11.4.
Variant type: single nucleotide variant.
Coding change: c.4991C>T on transcript NM_001039591.3 (MANE Select); coding-DNA position 4991, C replaced by T.
Protein change: p.Pro1664Leu; replaces proline 1664 with leucine.
Molecular consequence: missense variant.
Genome position (GRCh38, 1-based): chrX:41,205,469, C>T. VCF-style: chrX-41205469-C-T. GRCh37 (hg19) VCF-style: chrX-41064722-C-T.
Other names: c.4991C>T, p.Pro1664Leu (NM_001039590.3); c.5006C>T, p.Pro1669Leu (NM_001410748.1, NM_001410749.1, NM_001437534.1); short protein forms P1664L, P1669L.
Identifiers: ClinVar variation 4880223 (VCV004880223.1).